The following is an entry in ClinVar:

NM_017541.4(CRYGS):c.28T>G (p.Phe10Val)

Gene: CRYGS (crystallin gamma S; minus strand). Cytogenetic location: 3q27.3.
Variant type: single nucleotide variant.
Coding change: c.28T>G on transcript NM_017541.4 (MANE Select); coding-DNA position 28, T replaced by G.
Protein change: p.Phe10Val; replaces phenylalanine 10 with valine.
Molecular consequence: missense variant.
Genome position (GRCh38, 1-based): chr3:186,539,591, A>C on the plus strand (T>G on the coding strand, the complement: CRYGS is on the minus strand). VCF-style: chr3-186539591-A-C. GRCh37 (hg19) VCF-style: chr3-186257380-A-C.
Other names: short protein forms F10V.
Identifiers: ClinVar variation 4726229 (VCV004726229.1).

ClinVar aggregate classification (germline): Uncertain significance (1 of 4 stars; one submission).

Conditions:
Cataract 20 multiple types (CTRCT20). Also called: Membranous cataract. Identifiers: Orphanet 91492, MedGen C0524524, MONDO:0007284, OMIM 116100, HP:0010922.

Submission:

Labcorp Genetics (formerly Invitae), Labcorp
Classification: Uncertain significance for Cataract 20 multiple types. Last evaluated: 2025-09-09. Review status: criteria provided, single submitter. Criteria: Invitae Variant Classification Sherloc (09022015). Collection method: clinical testing. Allele origin: germline.
Comment: This sequence change replaces phenylalanine, which is neutral and non-polar, with valine, which is neutral and non-polar, at codon 10 of the CRYGS protein (p.Phe10Val). This variant is not present in population databases (gnomAD no frequency). This variant has not been reported in the literature in individuals affected with CRYGS-related conditions. An algorithm developed to predict the effect of missense changes on protein structure and function (PolyPhen-2) suggests that this variant is likely to be disruptive. In summary, the available evidence is currently insufficient to determine the role of this variant in disease. Therefore, it has been classified as a Variant of Uncertain Significance.